The following is an entry in ClinVar:

NM_001458.5(FLNC):c.4702del (p.Asp1568fs)

Gene: FLNC (filamin C; plus strand). Cytogenetic location: 7q32.1.
Variant type: Deletion.
Coding change: c.4702del on transcript NM_001458.5 (MANE Select); coding-DNA position 4702, one base deleted (G; older notation c.4702delG).
Protein change: p.Asp1568fs; shifts the reading frame from aspartic acid 1568.
Molecular consequence: frameshift variant.
Genome position (GRCh38, 1-based): chr7:128,848,682, G deleted; the last of 3 consecutive G bases (chr7:128,848,680-128,848,682); deleting any one gives the same sequence. VCF-style (leftmost placement, unchanged base first): chr7-128848679-CG-C. GRCh37 (hg19) VCF-style: chr7-128488733-CG-C.
Other names: c.4702del, p.Asp1568fs (NM_001127487.2); short protein forms D1568fs.
Identifiers: ClinVar variation 2503042 (VCV002503042.2), dbSNP rs2536648236, ClinGen allele CA457848651.
Genomic context (GRCh38, chr7:128,848,679, plus strand): 5'-CCAGGCCTCAACGCCTCTGGCATCCCTGCCAGCCTGCCTGTGGAGTTCACCATCGACGCA[CG>C]GGACGCGGGCGAGGGGTTGCTCACTGTCCAGATCTTGGTGAGTCTCTGTGCATCCCACCC-3'

ClinVar aggregate classification (germline): Pathogenic. Review status: criteria provided, single submitter (1 of 4 stars). 2 submissions from 2 submitters: Pathogenic (1). 1 of the submissions does not count toward it. Last evaluated 2023-12-06.

Conditions:
Cardiomyopathy (CMYO). Also called: Cardiomyopathies. Identifiers: Orphanet 167848, MedGen C0878544, MONDO:0004994, HP:0001638. Inheritance: Various modes of inheritance.
Cardiovascular phenotype. Identifiers: MedGen CN230736.

Submissions (2):

Ambry Genetics
Classification: Pathogenic for Cardiovascular phenotype. Last evaluated: 2023-12-06. Review status: criteria provided, single submitter. Criteria: Ambry Variant Classification Scheme 2023. Collection method: clinical testing. Allele origin: germline.
Comment: The c.4702delG pathogenic mutation, located in coding exon 27 of the FLNC gene, results from a deletion of one nucleotide at nucleotide position 4702, causing a translational frameshift with a predicted alternate stop codon (p.D1568Tfs*39). This alteration is expected to result in loss of function by premature protein truncation or nonsense-mediated mRNA decay. Based on the supporting evidence, this variant is expected to be causative of dilated cardiomyopathy; however, its clinical significance for hypertrophic/restrictive cardiomyopathy and/or skeletal myopathy is unclear.

Institute of Human Genetics, University of Wuerzburg
Classification: Likely pathogenic for Cardiomyopathy. Review status: no assertion criteria provided. Collection method: clinical testing. Allele origin: unknown. Affected: yes. Observed: 1 variant allele. Not counted in ClinVar's aggregate classification.